The following is an entry in ClinVar:

ClinVar aggregate classification (germline): Uncertain significance. Review status: criteria provided, multiple submitters, no conflicts (2 of 4 stars). 2 submissions from 2 submitters: Uncertain significance (2). Last evaluated 2026-05-05.

Conditions:
Asphyxiating thoracic dystrophy 3. Also called: POLYDACTYLY WITH NEONATAL CHONDRODYSTROPHY, TYPE I; SHORT-RIB THORACIC DYSPLASIA 3/6 WITH POLYDACTYLY, DIGENIC; Short rib polydactyly syndrome 2B; SHORT-RIB THORACIC DYSPLASIA 3 WITH OR WITHOUT POLYDACTYLY; Saldino-Noonan Syndrome. Identifiers: Orphanet 474, Orphanet 93269, Orphanet 93270, Orphanet 93271, MedGen C0036069, MONDO:0013127, OMIM 613091.

gnomAD v4.1: 45 of 1,576,328 alleles (0.0029%); highest among the groups gnomAD compares: African/African-American, 0.0094%; no homozygotes.

Submissions (2):

Myriad Genetics, Inc.
Classification: Uncertain significance for Asphyxiating thoracic dystrophy 3. Last evaluated: 2026-05-05. Review status: criteria provided, single submitter. Criteria: Myriad Autosomal Dominant, Autosomal Recessive and X-Linked Classification Criteria (2023). Collection method: clinical testing. Allele origin: unknown.
Comment: NM_001377.2(DYNC2H1):c.11486C>T(T3829I) is a missense variant classified as a variant of uncertain significance in the context of DYNC2H1-related disorders. T3829I has not been observed in cases with relevant disease. Relevant functional assessments of this variant are not available in the literature. T3829I has been observed in referenced population frequency databases. In summary, there is insufficient evidence to classify NM_001377.2(DYNC2H1):c.11486C>T(T3829I) as pathogenic or benign. Please note: this variant was assessed in the context of healthy population screening.

Blueprint Genetics
Classification: Uncertain significance. Last evaluated: 2023-05-24. Review status: criteria provided, single submitter. Criteria: ACMG Guidelines, 2015. Collection method: clinical testing. Allele origin: germline.

NM_001377.3(DYNC2H1):c.11486C>T (p.Thr3829Ile)

Gene: DYNC2H1 (dynein cytoplasmic 2 heavy chain 1; plus strand). Cytogenetic location: 11q22.3.
Variant type: single nucleotide variant.
Coding change: c.11486C>T on transcript NM_001377.3 (MANE Select); coding-DNA position 11486, C replaced by T.
Protein change: p.Thr3829Ile; replaces threonine 3829 with isoleucine.
Molecular consequence: missense variant.
Genome position (GRCh38, 1-based): chr11:103,307,824, C>T. VCF-style: chr11-103307824-C-T. GRCh37 (hg19) VCF-style: chr11-103178553-C-T.
Other names: c.11507C>T, p.Thr3836Ile (NM_001080463.2); short protein forms T3836I, T3829I.
Identifiers: ClinVar variation 4913824 (VCV004913824.2).
Genomic context (GRCh38, chr11:103,307,824, plus strand): 5'-TCACTGCAGAAGTTCATCCCAACTTTACTCCTATTTTACTACAGTCAAGTCTGAAGATAA[C>T]ATATGAGGTAAGAAGATTTAAAACTTGGATCACCAGTTGTATGAAAGCAGTACTCTATAC-3'
Protein context (NP_001368.2, residues 3819-3839): PILLQSSLKI[Thr3829Ile]YESPPGLKKN